The following is an entry in ClinVar:

NM_138694.4(PKHD1):c.390+1G>T

Gene: PKHD1 (PKHD1 ciliary IPT domain containing fibrocystin/polyductin; minus strand). Cytogenetic location: 6p12.2.
Variant type: single nucleotide variant.
Coding change: c.390+1G>T on transcript NM_138694.4 (MANE Select); the canonical splice donor site of the intron after coding-DNA position 390, G replaced by T.
Molecular consequence: splice donor variant.
Genome position (GRCh38, 1-based): chr6:52,079,899, C>A on the plus strand (G>T on the coding strand, the complement: PKHD1 is on the minus strand). VCF-style: chr6-52079899-C-A. GRCh37 (hg19) VCF-style: chr6-51944697-C-A.
Other names: c.390+1G>T (NM_170724.3).
Identifiers: ClinVar variation 632942 (VCV000632942.31), dbSNP rs752327566, ClinGen allele CA3853953.

ClinVar aggregate classification (germline): Pathogenic/Likely pathogenic. Review status: criteria provided, multiple submitters, no conflicts (2 of 4 stars). 9 submissions from 9 submitters: Pathogenic (4); Likely pathogenic (5). Last evaluated 2025-12-01.

Conditions:
PKHD1-related disorder. Also called: PKHD1-related condition.
Polycystic kidney disease 4 (PKD4). Also called: POLYCYSTIC KIDNEY DISEASE 4 WITH OR WITHOUT POLYCYSTIC LIVER DISEASE; Autosomal Recessive Polycystic Kidney Disease – PKHD1; POLYCYSTIC KIDNEY AND HEPATIC DISEASE 1; POLYCYSTIC KIDNEY DISEASE, INFANTILE, TYPE I; PKD3. Identifiers: MedGen C4540575, MONDO:0033004, OMIM 263200.
Autosomal recessive polycystic kidney disease (ARPKD). Also called: AR polycystic kidney disease. Identifiers: Orphanet 731, Orphanet 8378, MedGen C0085548, MeSH D017044, MONDO:0009889.

Allele frequency attached by ClinVar (database versions not stated): ExAC 0.00002; gnomAD 0.00002; gnomAD exomes 0.00002 and 0.00005; TOPMed 0.00002.
gnomAD v4.1: 78 of 1,543,790 alleles (0.0051%); highest among the groups gnomAD compares: Non-Finnish European, 0.0066%; no homozygotes.

Submissions (9):

Natera, Inc.
Classification: Pathogenic for Autosomal recessive polycystic kidney disease. Last evaluated: 2025-12-01. Review status: criteria provided, single submitter. Criteria: Natera Variant Classification Schema (03/2026). Collection method: clinical testing. Allele origin: germline.
Comment: The c.390+1G>T variant in PKHD1 is a canonical splice donor site variant predicted to affect pre-mRNA splicing, which may result in an abnormal transcript and altered protein product. This variant is expected to result in nonsense mediated decay, truncation, or a dysfunctional protein product. This variant is rare in the general population with a frequency below the threshold expected for the associated phenotype(s). Another variant at this same site results in an alteration predicted to cause a similar molecular effect has been observed in individual(s) with the associated phenotype. Given the available evidence, this variant is classified as Pathogenic.

Labcorp Genetics (formerly Invitae), Labcorp
Classification: Likely pathogenic for Autosomal recessive polycystic kidney disease. Last evaluated: 2025-09-19. Review status: criteria provided, single submitter. Criteria: Invitae Variant Classification Sherloc (09022015). Collection method: clinical testing. Allele origin: germline.
Comment: This sequence change affects a donor splice site in intron 5 of the PKHD1 gene. It is expected to disrupt RNA splicing. Variants that disrupt the donor or acceptor splice site typically lead to a loss of protein function (PMID: 16199547), and loss-of-function variants in PKHD1 are known to be pathogenic (PMID: 19940839). This variant is present in population databases (rs752327566, gnomAD 0.004%). Disruption of this splice site has been observed in individual(s) with clinical features of polycystic kidney disease (PMID: 12874454, 32203225, 33282801). This variant is also known as IVS5+1G>T. ClinVar contains an entry for this variant (Variation ID: 632942). Algorithms developed to predict the effect of sequence changes on RNA splicing suggest that this variant may disrupt the consensus splice site. In summary, the currently available evidence indicates that the variant is pathogenic, but additional data are needed to prove that conclusively. Therefore, this variant has been classified as Likely Pathogenic.

Victorian Clinical Genetics Services, Murdoch Childrens Research Institute
Classification: Pathogenic for Polycystic kidney disease 4. Last evaluated: 2025-04-29. Review status: criteria provided, single submitter. Criteria: ACMG Guidelines, 2015. Collection method: clinical testing. Allele origin: germline. Affected: yes.
Comment: This variant is classified as Pathogenic. Evidence in support of pathogenic classification: Canonical splice site variant without proven consequence on splicing (no functional evidence available); Variant is present in gnomAD <0.01 for a recessive condition (v4: 78 heterozygote(s), 0 homozygote(s)); This variant has strong previous evidence of pathogenicity in unrelated individuals. This variant has been classified multiple times as pathogenic or likely pathogenic by clinical laboratories (ClinVar). This variant has been reported in individuals with autosomal recessive polycystic kidney disease (PMIDs: 12874454, 38854310); Another canonical splice site variant comparable to the one identified in this case has limited previous evidence for pathogenicity. The c.390+1G>A variant has been reported in an individual with autosomal recessive polycystic kidney disease (PMID: 33282801); Abnormal splicing is predicted by in silico tool and affected nucleotide is highly conserved. Additional information: This variant is heterozygous; This gene is associated with autosomal recessive disease; however, there are emerging reports of individuals with heterozygous variants in PKHD1 developing liver cysts and nephrocalcinosis (PMID: 21945273, 36691356); Loss of function is a known mechanism of disease in this gene and is associated with polycystic kidney disease 4, with or without hepatic disease (MIM#263200); Variants in this gene are known to have variable expressivity. Significant intrafamilial variability has been reported (PMID: 20301501); Heterozygous variant detected in trans with another PATHOGENIC heterozygous variant (NM_138694.4(PKHD1):c.2936C>T; p.(Thr979Ile)) in a recessive disease.

PreventionGenetics, part of Exact Sciences
Classification: Pathogenic for PKHD1-related condition. Last evaluated: 2025-01-24. Review status: criteria provided, single submitter. Criteria: ACMG Guidelines, 2015. Collection method: clinical testing. Allele origin: germline.
Comment: The PKHD1 c.390+1G>T variant is predicted to disrupt the GT donor site and interfere with normal splicing. This variant has been reported in multiple individuals with polycystic kidney disease (reported as IVS5+1G>T in Furu et al. 2003. PubMed ID: 12874454; Thomas et al. 2020. PubMed ID: 32203225; Khin and Ramdas. 2024. PubMed ID: 38854310). This variant is reported in 0.0035% of alleles in individuals of European (non-Finnish) descent in gnomAD. Variants that disrupt the consensus splice donor site in PKHD1 are expected to be pathogenic. This variant is interpreted as pathogenic.

Fulgent Genetics
Classification: Pathogenic for Polycystic kidney disease 4. Last evaluated: 2024-05-08. Review status: criteria provided, single submitter. Criteria: ACMG Guidelines, 2015. Collection method: clinical testing. Allele origin: germline.

Myriad Genetics, Inc.
Classification: Likely pathogenic for Polycystic kidney disease 4. Last evaluated: 2021-10-25. Review status: criteria provided, single submitter. Criteria: Myriad Women's Health Autosomal Recessive and X-Linked Classification Criteria (2021). Collection method: clinical testing. Allele origin: unknown.
Comment: NM_138694.3(PKHD1):c.390+1G>T is a canonical splice site variant classified as likely pathogenic in the context of autosomal recessive polycystic kidney disease, PKHD1-related. c.390+1G>T has been observed in cases with relevant disease (PMID: 12874454, 32203225, 33282801). Functional assessments of this variant are not available in the literature. c.390+1G>T has been observed in population frequency databases (gnomAD: NFE 0.004%). In summary, NM_138694.3(PKHD1):c.390+1G>T is a canonical splice site variant in a gene where loss of function is a known mechanism of disease, is predicted to disrupt protein function, and has been observed more frequently in cases with the relevant disease than in healthy populations. Please note: this variant was assessed in the context of healthy population screening.

Women's Health and Genetics/Laboratory Corporation of America, LabCorp
Classification: Likely pathogenic for Autosomal recessive polycystic kidney disease. Last evaluated: 2021-02-22. Review status: criteria provided, single submitter. Criteria: LabCorp Variant Classification Summary - May 2015. Collection method: clinical testing. Allele origin: germline.
Comment: Variant summary: PKHD1 c.390+1G>T is located in a canonical splice-site and is predicted to affect mRNA splicing resulting in a significantly altered protein due to either exon skipping, shortening, or inclusion of intronic material. Several computational tools predict a significant impact on normal splicing: Four predict the variant abolishes a 5 splicing donor site. However, these predictions have yet to be confirmed by functional studies. The variant allele was found at a frequency of 1.6e-05 in 251768 control chromosomes (gnomAD and publication data). c.390+1G>T has been reported in the literature in an individual affected with Polycystic Kidney Disease (Furu_2003) as well as in one carrier for ARPKD (Thomas_2020). To our knowledge, no experimental evidence demonstrating an impact on protein function has been reported. Two ClinVar submitters (evaluation after 2014) cite the variant as likely pathogenic. Based on the evidence outlined above, the variant was classified as likely pathogenic.

GeneDx
Classification: Likely pathogenic. Last evaluated: 2020-10-13. Review status: criteria provided, single submitter. Criteria: GeneDx Variant Classification Process June 2021. Collection method: clinical testing. Allele origin: germline. Affected: yes.
Comment: Canonical splice site variant in a gene for which loss-of-function is a known mechanism of disease; Not observed at a significant frequency in large population cohorts (Lek et al., 2016); Identified perinatally in a fetus with nephromegaly in whom no second PKD1 variant was identified (Furu et al., 2003); This variant is associated with the following publications: (PMID: 12874454, 25525159, 19940839)

Blueprint Genetics
Classification: Likely pathogenic for PKHD1-related disorders. Last evaluated: 2018-11-28. Review status: criteria provided, single submitter. Criteria: ACMG Guidelines, 2015. Collection method: clinical testing. Allele origin: germline. Affected: yes. Observed: 1 variant allele.

Literature cited by the submitters: PubMed 16199547 (cited by Labcorp Genetics (formerly Invitae), Labcorp); PubMed 19940839 (cited by Labcorp Genetics (formerly Invitae), Labcorp); PubMed 12874454 (cited by 4 submitters); PubMed 32203225 (cited by 3 submitters); PubMed 33282801 (cited by 3 submitters); PubMed 36691356 (cited by Victorian Clinical Genetics Services, Murdoch Childrens Research Institute); PubMed 20301501 (cited by Victorian Clinical Genetics Services, Murdoch Childrens Research Institute); PubMed 38854310 (cited by Victorian Clinical Genetics Services, Murdoch Childrens Research Institute); PubMed 21945273 (cited by Victorian Clinical Genetics Services, Murdoch Childrens Research Institute).